The following is an entry in ClinVar:

NM_001625.4(AK2):c.715A>G (p.Ile239Val)

Gene: AK2 (adenylate kinase 2; minus strand). Cytogenetic location: 1p35.1.
Variant type: single nucleotide variant.
Coding change: c.715A>G on transcript NM_001625.4 (MANE Select); coding-DNA position 715, A replaced by G.
Protein change: p.Ile239Val; replaces isoleucine 239 with valine.
Molecular consequence: missense variant. On other transcripts: 3 prime UTR variant (1), intron variant (5).
Genome position (GRCh38, 1-based): chr1:33,013,186, T>C on the plus strand (A>G on the coding strand, the complement: AK2 is on the minus strand). VCF-style: chr1-33013186-T-C. GRCh37 (hg19) VCF-style: chr1-33478787-T-C.
Other names: c.571A>G, p.Ile191Val (NM_001319140.2); c.*218A>G (NM_001319143.2); c.694+21A>G (NM_013411.5, NM_001319141.3); c.568+21A>G (NM_001319142.3); c.670+21A>G (NM_001199199.3); c.550+21A>G (NM_001319139.3); short protein forms I191V, I239V.
Identifiers: ClinVar variation 5039120 (VCV005039120.1).
Genomic context (GRCh38, chr1:33,013,186, plus strand): 5'-CATTCCCACCCATTGCCTCACAGGGATGGAAAGAAATTCCTTCTTGGACCCAACATTAGA[T>C]AAACATAACCAAGTCTTTACATGTGGCTTTGGAGAAGGCTGCTAGGATGCTTGCGAACAC-3'
Protein context (NP_001616.1, residues 229-239): KATCKDLVMF[Ile239Val]

ClinVar aggregate classification (germline): Uncertain significance (1 of 4 stars; one submission).

gnomAD v4.1: 17 of 1,614,110 alleles (0.0011%); highest among the groups gnomAD compares: South Asian, 0.0099%; no homozygotes.

Submission:

CeGaT Center for Human Genetics Tuebingen
Classification: Uncertain significance. Last evaluated: 2026-08-01. Review status: criteria provided, single submitter. Criteria: CeGaT Center For Human Genetics Tuebingen Variant Classification Criteria Version 2. Collection method: clinical testing. Allele origin: germline. Affected: yes. Observed: 1 variant allele.
Comment: AK2: PM2